The following is an entry in ClinVar:

NM_002435.3(MPI):c.345+20G>A

Gene: MPI (mannose phosphate isomerase; plus strand). Cytogenetic location: 15q24.1.
Variant type: single nucleotide variant.
Coding change: c.345+20G>A on transcript NM_002435.3 (MANE Select); 20 bases into the intron after coding-DNA position 345, G replaced by A.
Molecular consequence: intron variant.
Genome position (GRCh38, 1-based): chr15:74,891,599, G>A. VCF-style: chr15-74891599-G-A. GRCh37 (hg19) VCF-style: chr15-75183940-G-A.
Other names: c.285+20G>A (NM_001330372.2); c.345+20G>A (NM_001289155.2, NM_001289157.2); c.195+20G>A (NM_001289156.2).
Identifiers: ClinVar variation 512034 (VCV000512034.7), dbSNP rs772479528, ClinGen allele CA7662409.
Genomic context (GRCh38, chr15:74,891,599, plus strand): 5'-CAGTTGAAACACCCCTGTCCATCCAGGCACACCCTAACAAGGTAAAGGACAGAGTGCGGT[G>A]CAGAGGTCAGGGTACAGAAGGGCTTATGCTAAGGCCCTCCCGTGACTTTTACTGCCACTT-3'

ClinVar aggregate classification (germline): Likely benign. Review status: criteria provided, multiple submitters, no conflicts (2 of 4 stars). 2 submissions from 2 submitters: Likely benign (2). Last evaluated 2024-01-09.

Conditions:
MPI-congenital disorder of glycosylation. Also called: CONGENITAL DISORDER OF GLYCOSYLATION, TYPE Ib; CDG Ib; PROTEIN-LOSING ENTEROPATHY-HEPATIC FIBROSIS SYNDROME; MPI DEFICIENCY; MANNOSEPHOSPHATE ISOMERASE DEFICIENCY; MPI-CDG. Identifiers: Orphanet 79319, MedGen C1865145, MONDO:0011257, OMIM 602579.

Allele frequency attached by ClinVar (database versions not stated): gnomAD exomes below 0.00001 and 0.00002; TOPMed below 0.00001; ExAC 0.00001.
gnomAD v4.1: 5 of 1,612,718 alleles (0.00031%); highest among the groups gnomAD compares: Admixed American, 0.0083%; no homozygotes.

Submissions (2):

Labcorp Genetics (formerly Invitae), Labcorp
Classification: Likely benign for MPI-congenital disorder of glycosylation. Last evaluated: 2024-01-09. Review status: criteria provided, single submitter. Criteria: Invitae Variant Classification Sherloc (09022015). Collection method: clinical testing. Allele origin: germline.

GeneDx
Classification: Likely benign. Last evaluated: 2017-10-03. Review status: criteria provided, single submitter. Criteria: GeneDx Variant Classification (06012015). Collection method: clinical testing. Allele origin: germline. Affected: yes.
Comment: This variant is considered likely benign or benign based on one or more of the following criteria: it is a conservative change, it occurs at a poorly conserved position in the protein, it is predicted to be benign by multiple in silico algorithms, and/or has population frequency not consistent with disease.